The following is an entry in ClinVar:

ClinVar aggregate classification (germline): Uncertain significance (1 of 4 stars; one submission).

Conditions:
Dyskeratosis congenita. Identifiers: Orphanet 1775, MedGen C0265965, MONDO:0015780.

gnomAD v4.1: 5 of 1,576,700 alleles (0.00032%); highest among the groups gnomAD compares: South Asian, 0.0011%; no homozygotes.

Submission:

Labcorp Genetics (formerly Invitae), Labcorp
Classification: Uncertain significance for Dyskeratosis congenita. Last evaluated: 2025-11-17. Review status: criteria provided, single submitter. Criteria: Invitae Variant Classification Sherloc (09022015). Collection method: clinical testing. Allele origin: germline.
Comment: This sequence change replaces aspartic acid, which is acidic and polar, with tyrosine, which is neutral and polar, at codon 885 of the CTC1 protein (p.Asp885Tyr). This variant is not present in population databases (gnomAD no frequency). This variant has not been reported in the literature in individuals affected with CTC1-related conditions. ClinVar contains an entry for this variant (Variation ID: 570312). Invitae Evidence Modeling of protein sequence and biophysical properties (such as structural, functional, and spatial information, amino acid conservation, physicochemical variation, residue mobility, and thermodynamic stability) indicates that this missense variant is expected to disrupt CTC1 protein function with a positive predictive value of 80%. In summary, the available evidence is currently insufficient to determine the role of this variant in disease. Therefore, it has been classified as a Variant of Uncertain Significance.

NM_025099.6(CTC1):c.2653G>T (p.Asp885Tyr)

Gene: CTC1 (CST telomere replication complex component 1; minus strand). Cytogenetic location: 17p13.1.
Variant type: single nucleotide variant.
Coding change: c.2653G>T on transcript NM_025099.6 (MANE Select); coding-DNA position 2653, G replaced by T.
Protein change: p.Asp885Tyr; replaces aspartic acid 885 with tyrosine.
Molecular consequence: missense variant. On other transcripts: non-coding transcript variant (1).
Genome position (GRCh38, 1-based): chr17:8,231,292, C>A on the plus strand (G>T on the coding strand, the complement: CTC1 is on the minus strand). VCF-style: chr17-8231292-C-A. GRCh37 (hg19) VCF-style: chr17-8134610-C-A.
Other names: short protein forms D885Y.
Identifiers: ClinVar variation 570312 (VCV000570312.10), dbSNP rs370102181, ClinGen allele CA397975307.